The following is an entry in ClinVar:

NM_005219.5(DIAPH1):c.3313C>T (p.Arg1105Trp)

Gene: DIAPH1 (diaphanous related formin 1; minus strand). Cytogenetic location: 5q31.3.
Variant type: single nucleotide variant.
Coding change: c.3313C>T on transcript NM_005219.5 (MANE Select); coding-DNA position 3313, C replaced by T.
Protein change: p.Arg1105Trp; replaces arginine 1105 with tryptophan.
Molecular consequence: missense variant.
Genome position (GRCh38, 1-based): chr5:141,526,422, G>A on the plus strand (C>T on the coding strand, the complement: DIAPH1 is on the minus strand). VCF-style: chr5-141526422-G-A. GRCh37 (hg19) VCF-style: chr5-140905989-G-A.
Other names: c.3286C>T, p.Arg1096Trp (NM_001079812.3); c.3313C>T, p.Arg1105Trp (NM_001314007.2); short protein forms R1096W, R1105W.
Identifiers: ClinVar variation 444663 (VCV000444663.53), dbSNP rs781577050, ClinGen allele CA3478804.

ClinVar aggregate classification (germline): Conflicting classifications of pathogenicity. Review status: criteria provided, conflicting classifications (1 of 4 stars). 3 submissions from 3 submitters: Uncertain significance (2); Likely benign (1). Last evaluated 2026-01-14.

Conditions:
Beta-D-mannosidosis (MANSB). Also called: MANNOSIDOSIS, BETA A, LYSOSOMAL; BETA-MANNOSIDASE DEFICIENCY; Beta-Mannosidosis; LYSOSOMAL BETA-MANNOSIDASE DEFICIENCY. Identifiers: Orphanet 118, MedGen C4048196, MONDO:0009562, OMIM 248510.
Progressive microcephaly-seizures-cortical blindness-developmental delay syndrome. Also called: Seizures, cortical blindness, and microcephaly syndrome. Identifiers: Orphanet 477814, MedGen C5567650, MONDO:0014714, OMIM 616632.
Autosomal dominant nonsyndromic hearing loss 1. Also called: DEAFNESS, AUTOSOMAL DOMINANT 1, WITH OR WITHOUT THROMBOCYTOPENIA; KONIGSMARK SYNDROME. Identifiers: Orphanet 90635, MedGen C1852282, MONDO:0007424, OMIM 124900.

Allele frequency attached by ClinVar (database versions not stated): gnomAD exomes 0.00006; ExAC 0.00007; TOPMed 0.00010; gnomAD 0.00011.
gnomAD v4.1: 114 of 1,614,112 alleles (0.0071%); highest among the groups gnomAD compares: Admixed American, 0.013%; no homozygotes.

Submissions (3):

Labcorp Genetics (formerly Invitae), Labcorp
Classification: Uncertain significance for Progressive microcephaly-seizures-cortical blindness-developmental delay syndrome; Autosomal dominant nonsyndromic hearing loss 1. Last evaluated: 2026-01-14. Review status: criteria provided, single submitter. Criteria: Invitae Variant Classification Sherloc (09022015). Collection method: clinical testing. Allele origin: germline.
Comment: This sequence change replaces arginine, which is basic and polar, with tryptophan, which is neutral and slightly polar, at codon 1105 of the DIAPH1 protein (p.Arg1105Trp). This variant is present in population databases (rs781577050, gnomAD 0.01%). This variant has not been reported in the literature in individuals affected with DIAPH1-related conditions. ClinVar contains an entry for this variant (Variation ID: 444663). An algorithm developed to predict the effect of missense changes on protein structure and function (PolyPhen-2) suggests that this variant is likely to be disruptive. In summary, the available evidence is currently insufficient to determine the role of this variant in disease. Therefore, it has been classified as a Variant of Uncertain Significance.

Department of Otolaryngology – Head & Neck Surgery, Cochlear Implant Center
Classification: Likely benign for Beta-D-mannosidosis. Last evaluated: 2021-04-12. Review status: criteria provided, single submitter. Criteria: ClinGen HL ACMG Specifications v1. Collection method: clinical testing. Allele origin: germline. Affected: yes.
Comment: PM2_Moderate, BS2_Strong, BP4_Supporting

CeGaT Center for Human Genetics Tuebingen
Classification: Uncertain significance. Last evaluated: 2017-05-01. Review status: criteria provided, single submitter. Criteria: CeGaT Center For Human Genetics Tuebingen Variant Classification Criteria Version 2. Collection method: clinical testing. Allele origin: germline. Affected: yes. Observed: 1 variant allele.